The following is an entry in ClinVar:

ClinVar aggregate classification (germline): Uncertain significance. Review status: criteria provided, multiple submitters, no conflicts (2 of 4 stars). 3 submissions from 3 submitters: Uncertain significance (3). Last evaluated 2025-10-18.

Conditions:
Autosomal dominant childhood-onset proximal spinal muscular atrophy with contractures (SMALED2A). Also called: SPINAL MUSCULAR ATROPHY, LOWER EXTREMITY-PREDOMINANT, 2A, CHILDHOOD ONSET, AUTOSOMAL DOMINANT; Spinal muscular atrophy, lower extremity-predominant, 2A, autosomal dominant. Identifiers: Orphanet 363447, Orphanet 363454, MedGen C4747715, MONDO:0014121, OMIM 615290.
Inborn genetic diseases. Identifiers: MedGen C0950123, MeSH D030342.

Allele frequency attached by ClinVar (database versions not stated): gnomAD exomes below 0.00001; TOPMed below 0.00001.

Submissions (3):

Ambry Genetics
Classification: Uncertain significance for Inborn genetic diseases. Last evaluated: 2025-10-18. Review status: criteria provided, single submitter. Criteria: Ambry Variant Classification Scheme 2023. Collection method: clinical testing. Allele origin: germline.

Labcorp Genetics (formerly Invitae), Labcorp
Classification: Uncertain significance for Autosomal dominant childhood-onset proximal spinal muscular atrophy with contractures. Last evaluated: 2023-10-18. Review status: criteria provided, single submitter. Criteria: Invitae Variant Classification Sherloc (09022015). Collection method: clinical testing. Allele origin: germline.
Comment: This sequence change replaces arginine, which is basic and polar, with glutamine, which is neutral and polar, at codon 807 of the BICD2 protein (p.Arg807Gln). This variant is not present in population databases (gnomAD no frequency). This variant has not been reported in the literature in individuals affected with BICD2-related conditions. ClinVar contains an entry for this variant (Variation ID: 585477). Advanced modeling of protein sequence and biophysical properties (such as structural, functional, and spatial information, amino acid conservation, physicochemical variation, residue mobility, and thermodynamic stability) performed at Invitae indicates that this missense variant is not expected to disrupt BICD2 protein function. In summary, the available evidence is currently insufficient to determine the role of this variant in disease. Therefore, it has been classified as a Variant of Uncertain Significance.

Athena Diagnostics
Classification: Uncertain significance. Last evaluated: 2017-09-21. Review status: criteria provided, single submitter. Criteria: Athena Diagnostics Criteria. Collection method: clinical testing. Allele origin: germline.

NM_001003800.2(BICD2):c.2420G>A (p.Arg807Gln)

Gene: BICD2 (BICD cargo adaptor 2; minus strand). Cytogenetic location: 9q22.31.
Variant type: single nucleotide variant.
Coding change: c.2420G>A on transcript NM_001003800.2 (MANE Select); coding-DNA position 2420, G replaced by A.
Protein change: p.Arg807Gln; replaces arginine 807 with glutamine.
Molecular consequence: missense variant.
Genome position (GRCh38, 1-based): chr9:92,715,302, C>T on the plus strand (G>A on the coding strand, the complement: BICD2 is on the minus strand). VCF-style: chr9-92715302-C-T. GRCh37 (hg19) VCF-style: chr9-95477584-C-T.
Other names: c.2420G>A, p.Arg807Gln (NM_015250.4); short protein forms R807Q.
Identifiers: ClinVar variation 585477 (VCV000585477.7), dbSNP rs1564057942, ClinGen allele CA374029907.